The following is an entry in ClinVar:

NM_000642.3(AGL):c.4482-19T>C

Gene: AGL (amylo-alpha-1,6-glucosidase and 4-alpha-glucanotransferase; plus strand). Cytogenetic location: 1p21.2.
Variant type: single nucleotide variant.
Coding change: c.4482-19T>C on transcript NM_000642.3 (MANE Select); 19 bases into the intron before coding-DNA position 4482, T replaced by C.
Molecular consequence: intron variant.
Genome position (GRCh38, 1-based): chr1:99,921,515, T>C. VCF-style: chr1-99921515-T-C. GRCh37 (hg19) VCF-style: chr1-100387071-T-C.
Other names: c.4482-19T>C (NM_000643.3, NM_000644.3, NM_001425325.1 and 1 more transcripts); c.4434-19T>C (NM_000646.3); c.4461-19T>C (NM_001425326.1); c.4281-19T>C (NM_001425327.1); c.4278-19T>C (NM_001425328.1); c.4143-19T>C (NM_001425329.1); c.4104-19T>C (NM_001425332.1).
Identifiers: ClinVar variation 513173 (VCV000513173.7), dbSNP rs370127763, ClinGen allele CA967464.

ClinVar aggregate classification (germline): Likely benign. Review status: criteria provided, multiple submitters, no conflicts (2 of 4 stars). 4 submissions from 4 submitters: Likely benign (4). Last evaluated 2025-10-26.

Conditions:
Glycogen storage disease type III (GSD3). Also called: FORBES DISEASE; Cori disease. Identifiers: Orphanet 366, MedGen C0017922, MONDO:0009291, OMIM 232400.

gnomAD v4.1: 8 of 1,530,860 alleles (0.00052%); highest among the groups gnomAD compares: Admixed American, 0.0033%; no homozygotes.

Submissions (4):

Labcorp Genetics (formerly Invitae), Labcorp
Classification: Likely benign for Glycogen storage disease type III. Last evaluated: 2025-10-26. Review status: criteria provided, single submitter. Criteria: Invitae Variant Classification Sherloc (09022015). Collection method: clinical testing. Allele origin: germline.

Genome-Nilou Lab
Classification: Likely benign for Glycogen storage disease type III. Last evaluated: 2023-04-11. Review status: criteria provided, single submitter. Criteria: ACMG Guidelines, 2015. Collection method: clinical testing. Allele origin: germline. Affected: no.

Blueprint Genetics
Classification: Likely benign. Last evaluated: 2021-03-31. Review status: criteria provided, single submitter. Criteria: ACMG Guidelines, 2015. Collection method: clinical testing. Allele origin: germline.

GeneDx
Classification: Likely benign. Last evaluated: 2017-11-17. Review status: criteria provided, single submitter. Criteria: GeneDx Variant Classification (06012015). Collection method: clinical testing. Allele origin: germline. Affected: yes.
Comment: This variant is considered likely benign or benign based on one or more of the following criteria: it is a conservative change, it occurs at a poorly conserved position in the protein, it is predicted to be benign by multiple in silico algorithms, and/or has population frequency not consistent with disease.